The following continues an entry in ClinVar:

NM_022552.5(DNMT3A):c.2644C>T (p.Arg882Cys)

Gene: DNMT3A. ClinVar aggregate classification (germline): Pathogenic/Likely pathogenic. Pathogenic (17); Likely pathogenic (1). ClinVar aggregate classification (oncogenicity): Oncogenic.

Submissions 12 to 23 of 23:

Victorian Clinical Genetics Services, Murdoch Childrens Research Institute
Classification: Pathogenic for Tatton-Brown-Rahman overgrowth syndrome. Last evaluated: 2022-07-01. Review status: criteria provided, single submitter. Criteria: ACMG Guidelines, 2015. Collection method: clinical testing. Allele origin: germline. Inheritance: Autosomal dominant inheritance. Affected: yes.
Comment: Based on the classification scheme VCGS_Germline_v1.3.4, this variant is classified as Pathogenic. Following criteria are met: 0103 - Loss of function and gain of function are known mechanisms of disease in this gene and are associated with disease. Loss of function has been associated with Tatton-Brown-Rahman syndrome (MIM#615879) while gain of function has been associated with Heyn-Sproul-Jackson syndrome (MIM#618724) and demonstrated for two missense variants (PMID: 30478443). (I) 0107 - This gene is associated with autosomal dominant disease. (I) 0200 - Variant is predicted to result in a missense amino acid change from arginine to cysteine. (I) 0251 - This variant is heterozygous. (I) 0302 - Variant is present in gnomAD (v2) <0.001 for a dominant condition (34 heterozygotes, 0 homozygotes). However, it is likely somatic in the majority of those heterozygotes due to the low allele balance. (SP) 0309 - Multiple alternative amino acid changes at the same position have been observed in gnomAD (v2) (highest allele count: 64 heterozygotes, 0 homozygotes). (I) 0501 - Missense variant consistently predicted to be damaging by multiple in silico tools or highly conserved with a major amino acid change. (SP) 0602 - Variant is located in a hotspot region or cluster of pathogenic variants. p.Arg882 is well reported to be a hotspot for both germline variants causing TBRS and somatic variants in acute myeloid leukaemia (ClinVar, PMID: 28941052). (SP) 0702 - Other missense variants comparable to the one identified in this case have strong previous evidence for pathogenicity. At least two alternative changes (p.(Arg882His) and p.(Arg882Ser)) have been classified as pathogenic or likely pathogenic by clinical laboratories in ClinVar, and p.(Arg882His) has been reported in several individuals with TBRS or syndromic intellectual disability (DECIPHER, PMIDs: 28941052, 29900417). (SP) 0801 - This variant has strong previous evidence of pathogenicity in unrelated individuals. This variant has been classified as pathogenic by multiple clinical laboratories in ClinVar and observed as de novo in at least seven individuals with TBRS (PMIDs: 28941052, 27317772, 28432085, 29900417). (SP) Legend: (SP) - Supporting pathogenic, (I) - Information, (SB) - Supporting benign

Mendelics
Classification: Pathogenic for Acute myeloid leukemia. Last evaluated: 2022-05-04. Review status: criteria provided, single submitter. Criteria: Mendelics Assertion Criteria 2019. Collection method: clinical testing. Allele origin: germline.

Blueprint Genetics
Classification: Pathogenic for DNMT3A-related disorders. Last evaluated: 2021-11-26. Review status: criteria provided, single submitter. Criteria: ACMG Guidelines, 2015. Collection method: clinical testing. Allele origin: germline. Affected: yes. Observed: 3 variant alleles.

New York Genome Center
Classification: Pathogenic for Tatton-Brown-Rahman overgrowth syndrome. Last evaluated: 2021-08-05. Review status: criteria provided, single submitter. Criteria: NYGC Assertion Criteria 2020. Collection method: clinical testing. Allele origin: de novo. Affected: yes. Observed: 1 heterozygote. Study: CSER-NYCKidSeq.
Comment: The de novo missense variant c.2644C>T, p.Arg882Cys identified in the DNMT3A gene has been reported in multiple patients with Tatton-Brown-Rahman syndrome (PubMed: 28941052, 28432085, 31961069). This variant has 24 heterozygotes (0.016%) in gnomAD v3.1.1, suggesting moderate allele frequency in the populations represented in this database. However, researchers revealed that the median variant allele fraction in individuals reported in the population database with this variant was ~19%, strongly suggesting that the observed frequencies are confounding somatic variants in individuals with age-related clonal hematopoiesis (PMID: 28229513). In silico algorithms predict a deleterious effect, and the variant resides at the C-5 cytosine-specific DNA methylase (Dnmt) domain of the DNMT3A protein. Based on the available evidence, the de novo missense variant c.2644C>T, p.Arg882Cys in the DNMT3A gene is classified as pathogenic.

Laboratory of Molecular Genetics (Pr. Bezieau's lab), CHU de Nantes
Classification: Pathogenic for Neurodevelopmental disorder. Last evaluated: 2020-08-06. Review status: criteria provided, single submitter. Criteria: ACMG Guidelines, 2015. Collection method: clinical testing. Allele origin: germline. Affected: yes.

Laboratory for Molecular Medicine, Mass General Brigham Personalized Medicine
Classification: Pathogenic for Tatton-Brown-Rahman overgrowth syndrome. Last evaluated: 2019-03-20. Review status: criteria provided, single submitter. Criteria: ACMG Guidelines, 2015. Collection method: clinical testing. Allele origin: germline. Inheritance: Autosomal dominant inheritance.
Comment: The p.Arg882Cys variant in DNMT3A has been reported as a de novo germline occurrence in 4 individuals with Tatton-Brown-Rahman syndrome, one of who developed acute myeloid leukemia, (Tlemsani 2016, Hollink 2017, Shen 2017) and is one of the most common somatic DNMT3A variants in acute myeloid leukemia. It has also been identified in 3/10364 Ashkenazi Jewish chromosomes by gnomAD. However, the median variant allele fraction in these individuals was rather low, suggesting they might be associated with age-related clonal hematopoiesis. Computational prediction tools and conservation analysis suggest that this variant may impact the protein, and in vitro functional studies support an impact on protein function (Russler-Germain 2014). An additional variant involving this codon p.Arg882His has been identified in individuals with Tatton Brown-Rahman syndrome and is a commonly identified somatic variant in acute myeloid leukemia. In summary, this variant meets criteria to be classified as pathogenic for autosomal dominant Tatton-Brown-Rahman syndrome (also known as tall stature-intellectual disability-facial dysmorphism syndrome). ACMG/AMP Criteria applied: PM6_Strong, PS2, PS3_Moderate, PS4_Moderate, PP3.

Ambry Genetics
Classification: Pathogenic for Inborn genetic diseases. Last evaluated: 2018-06-04. Review status: criteria provided, single submitter. Criteria: Ambry exome assertion method (8-5-2015). Collection method: clinical testing. Allele origin: germline. Affected: yes. Observed: 1 variant allele.

Clinical Genetics Service, Universitary Hospital 12 de Octubre
Classification: Pathogenic for Tatton-Brown-Rahman overgrowth syndrome. Review status: criteria provided, single submitter. Criteria: ACMG Guidelines, 2015. Collection method: clinical testing. Allele origin: germline. Affected: yes.

Juno Genomics, Hangzhou Juno Genomics, Inc
Classification: Pathogenic for Acute myeloid leukemia; Heyn-Sproul-Jackson syndrome; Tatton-Brown-Rahman overgrowth syndrome. Review status: criteria provided, single submitter. Criteria: ACMG Guidelines, 2015. Collection method: clinical testing. Allele origin: germline.
Comment: Absent from controls (or at extremely low frequency if recessive) in Genome Aggregation Database.;Well-established in vitro or in vivo functional studies supportive of a damaging effect on the gene or gene product.;The prevalence of the variant in affected individuals is significantly increased compared to the prevalence in controls.;Assumed de novo, but without confirmation of paternity and maternity.

OMIM
Classification: Pathogenic for TATTON-BROWN-RAHMAN SYNDROME. Last evaluated: 2022-04-01. Review status: no assertion criteria provided. Collection method: literature only. Allele origin: unknown. Not counted in ClinVar's aggregate classification.

OMIM
Classification: Pathogenic for LEUKEMIA, ACUTE MYELOID, SOMATIC. Last evaluated: 2022-04-01. Review status: no assertion criteria provided. Collection method: literature only. Allele origin: somatic. Not counted in ClinVar's aggregate classification.

Department of Clinical Pathology, School of Medicine, Fujita Health University
Classification: Pathogenic for EBV-positive nodal T- and NK-cell lymphoma. Review status: no assertion criteria provided. Collection method: research. Allele origin: unknown. Affected: yes. Not counted in ClinVar's aggregate classification.

Literature cited by the submitters: PubMed 24656771 (cited by Center for Virology of Infectious and Tropical Diseases (CVMIT), Mohammed V Military Teaching Hospital and Laboratory for Molecular Medicine, Mass General Brigham Personalized Medicine); PubMed 21067377 (cited by 3 submitters); PubMed 27317772 (cited by 4 submitters); PubMed 28432085 (cited by 7 submitters); PubMed 31620784 (cited by Labcorp Genetics (formerly Invitae), Labcorp); PubMed 31164355 (cited by Center for Genomic Medicine, Rigshospitalet, Copenhagen University Hospital); PubMed 32015320 (cited by Center for Genomic Medicine, Rigshospitalet, Copenhagen University Hospital); PubMed 27991732 (cited by 3billion); PubMed 22744846 (cited by Institute for Genomic Medicine (IGM) Clinical Laboratory, Nationwide Children's Hospital); PubMed 24606448 (cited by Institute for Genomic Medicine (IGM) Clinical Laboratory, Nationwide Children's Hospital); PubMed 22898539 (cited by Institute for Genomic Medicine (IGM) Clinical Laboratory, Nationwide Children's Hospital); PubMed 28941052 (cited by 6 submitters); PubMed 29900417 (cited by Institute for Genomic Medicine (IGM) Clinical Laboratory, Nationwide Children's Hospital and Victorian Clinical Genetics Services, Murdoch Childrens Research Institute); PubMed 30478443 (cited by Victorian Clinical Genetics Services, Murdoch Childrens Research Institute); PubMed 31961069 (cited by New York Genome Center and OMIM); PubMed 26822784 (cited by OMIM).